The following is an entry in ClinVar:

NM_020921.4(NIN):c.2633A>G (p.Glu878Gly)

Gene: NIN (ninein; minus strand). Cytogenetic location: 14q22.1.
Variant type: single nucleotide variant.
Coding change: c.2633A>G on transcript NM_020921.4 (MANE Select); coding-DNA position 2633, A replaced by G.
Protein change: p.Glu878Gly; replaces glutamic acid 878 with glycine.
Molecular consequence: missense variant. On other transcripts: intron variant (1).
Genome position (GRCh38, 1-based): chr14:50,758,397, T>C on the plus strand (A>G on the coding strand, the complement: NIN is on the minus strand). VCF-style: chr14-50758397-T-C. GRCh37 (hg19) VCF-style: chr14-51225115-T-C.
Other names: c.2633A>G, p.Glu878Gly (NM_182944.3, NM_182946.2); c.2399+1460A>G (NM_016350.5); short protein forms E878G.
Identifiers: ClinVar variation 4771510 (VCV004771510.1).

ClinVar aggregate classification (germline): Uncertain significance (1 of 4 stars; one submission).

gnomAD v4.1: 3 of 1,614,086 alleles (0.00019%); highest among the groups gnomAD compares: Non-Finnish European, 0.00025%; no homozygotes.

Submission:

Labcorp Genetics (formerly Invitae), Labcorp
Classification: Uncertain significance. Last evaluated: 2025-10-03. Review status: criteria provided, single submitter. Criteria: Invitae Variant Classification Sherloc (09022015). Collection method: clinical testing. Allele origin: germline.
Comment: This sequence change replaces glutamic acid, which is acidic and polar, with glycine, which is neutral and non-polar, at codon 878 of the NIN protein (p.Glu878Gly). This variant is present in population databases (no rsID available, gnomAD 0.003%). This variant has not been reported in the literature in individuals affected with NIN-related conditions. An algorithm developed to predict the effect of missense changes on protein structure and function (PolyPhen-2) suggests that this variant is likely to be disruptive. In summary, the available evidence is currently insufficient to determine the role of this variant in disease. Therefore, it has been classified as a Variant of Uncertain Significance.